The following is an entry in ClinVar:

ClinVar aggregate classification (germline): Uncertain significance (1 of 4 stars; one submission).

Conditions:
Early-infantile DEE. Also called: Early infantile epileptic encephalopathy; Ohtahara syndrome; Early infantile epileptic encephalopathy with suppression bursts. Identifiers: Orphanet 1934, MedGen C0393706, MONDO:0800491.

Submission:

Labcorp Genetics (formerly Invitae), Labcorp
Classification: Uncertain significance for Early-infantile DEE. Last evaluated: 2023-10-22. Review status: criteria provided, single submitter. Criteria: Invitae Variant Classification Sherloc (09022015). Collection method: clinical testing. Allele origin: germline.
Comment: This sequence change replaces isoleucine, which is neutral and non-polar, with methionine, which is neutral and non-polar, at codon 177 of the KCNQ2 protein (p.Ile177Met). This variant is not present in population databases (gnomAD no frequency). This variant has not been reported in the literature in individuals affected with KCNQ2-related conditions. Advanced modeling of protein sequence and biophysical properties (such as structural, functional, and spatial information, amino acid conservation, physicochemical variation, residue mobility, and thermodynamic stability) performed at Invitae indicates that this missense variant is expected to disrupt KCNQ2 protein function. In summary, the available evidence is currently insufficient to determine the role of this variant in disease. Therefore, it has been classified as a Variant of Uncertain Significance.

NM_172107.4(KCNQ2):c.531C>G (p.Ile177Met)

Gene: KCNQ2 (potassium voltage-gated channel subfamily Q member 2; minus strand). Cytogenetic location: 20q13.33.
Variant type: single nucleotide variant.
Coding change: c.531C>G on transcript NM_172107.4 (MANE Select); coding-DNA position 531, C replaced by G.
Protein change: p.Ile177Met; replaces isoleucine 177 with methionine.
Molecular consequence: missense variant.
Genome position (GRCh38, 1-based): chr20:63,444,818, G>C on the plus strand (C>G on the coding strand, the complement: KCNQ2 is on the minus strand). VCF-style: chr20-63444818-G-C. GRCh37 (hg19) VCF-style: chr20-62076171-G-C.
Other names: c.531C>G, p.Ile177Met (NM_001382235.1, NM_004518.6, NM_172106.3 and 2 more transcripts); short protein forms I177M.
Identifiers: ClinVar variation 2912874 (VCV002912874.3), dbSNP rs1170316817, ClinGen allele CA409654939.